The following is an entry in ClinVar:

ClinVar aggregate classification (germline): Uncertain significance (1 of 4 stars; one submission).

gnomAD v4.1: 2 of 1,607,506 alleles (0.00012%); highest among the groups gnomAD compares: Non-Finnish European, 0.00017%; no homozygotes.

Submission:

Labcorp Genetics (formerly Invitae), Labcorp
Classification: Uncertain significance. Last evaluated: 2022-07-14. Review status: criteria provided, single submitter. Criteria: Invitae Variant Classification Sherloc (09022015). Collection method: clinical testing. Allele origin: germline.
Comment: In summary, the available evidence is currently insufficient to determine the role of this variant in disease. Therefore, it has been classified as a Variant of Uncertain Significance. Algorithms developed to predict the effect of sequence changes on RNA splicing suggest that this variant may create or strengthen a splice site. Algorithms developed to predict the effect of missense changes on protein structure and function are either unavailable or do not agree on the potential impact of this missense change (SIFT: "Deleterious"; PolyPhen-2: "Not Available"; Align-GVGD: "Class C65"). This variant has not been reported in the literature in individuals affected with CDH23-related conditions. This variant is not present in population databases (gnomAD no frequency). This sequence change replaces threonine, which is neutral and polar, with arginine, which is basic and polar, at codon 1020 of the CDH23 protein (p.Thr1020Arg).

NM_022124.6(CDH23):c.3059C>G (p.Thr1020Arg)

Gene: CDH23 (cadherin related 23; plus strand). Cytogenetic location: 10q22.1.
Variant type: single nucleotide variant.
Coding change: c.3059C>G on transcript NM_022124.6 (MANE Select); coding-DNA position 3059, C replaced by G.
Protein change: p.Thr1020Arg; replaces threonine 1020 with arginine.
Molecular consequence: missense variant.
Genome position (GRCh38, 1-based): chr10:71,707,002, C>G. VCF-style: chr10-71707002-C-G. GRCh37 (hg19) VCF-style: chr10-73466759-C-G.
Other names: c.3059C>G, p.Thr1020Arg (NM_001171930.2, NM_001171931.2); short protein forms T1020R.
Identifiers: ClinVar variation 1983702 (VCV001983702.4), dbSNP rs553678036, ClinGen allele CA377141540.